The following is an entry in ClinVar:

NM_004304.5(ALK):c.457G>T (p.Gly153Cys)

Gene: ALK (ALK receptor tyrosine kinase; minus strand). Cytogenetic location: 2p23.1.
Variant type: single nucleotide variant.
Coding change: c.457G>T on transcript NM_004304.5 (MANE Select); coding-DNA position 457, G replaced by T.
Protein change: p.Gly153Cys; replaces glycine 153 with cysteine.
Molecular consequence: missense variant.
Genome position (GRCh38, 1-based): chr2:29,920,203, C>A on the plus strand (G>T on the coding strand, the complement: ALK is on the minus strand). VCF-style: chr2-29920203-C-A. GRCh37 (hg19) VCF-style: chr2-30143069-C-A.
Other names: c.457G>T (NM_004304.4); short protein forms G153C.
Identifiers: ClinVar variation 3241818 (VCV003241818.3), dbSNP rs1485515006.
Genomic context (GRCh38, chr2:29,920,203, plus strand): 5'-GCTCGCTGAGATTGAACTGGAGCAGCCCCACAGCCGCCTCCCCGGGGGGCCCGACGCAAC[C>A]CTCCAAGATCGCCTCCTCGCCCAGCTCCAGCACCAACTGCTTGGCACGCCGGAGCTTGCG-3'
Protein context (NP_004295.2, residues 143-163): LELGEEAILE[Gly153Cys]CVGPPGEAAV

ClinVar aggregate classification (germline): Uncertain significance. Review status: criteria provided, multiple submitters, no conflicts (2 of 4 stars). 3 submissions from 3 submitters: Uncertain significance (3). Last evaluated 2025-12-03.

Conditions:
Hereditary cancer-predisposing syndrome. Also called: Hereditary Cancer Syndrome; Tumor predisposition; Neoplastic Syndromes, Hereditary; Hereditary neoplastic syndrome. Identifiers: Orphanet 140162, MedGen C0027672, MeSH D009386, MONDO:0015356.
Neuroblastoma, susceptibility to, 3. Also called: ALK-Related Neuroblastic Tumor Susceptibility. Identifiers: Orphanet 635, MedGen C2751681, MONDO:0013083, OMIM 613014.

Allele frequency attached by ClinVar (database versions not stated): gnomAD 0.00001; TOPMed 0.00001.
gnomAD v4.1: 1 of 1,613,304 alleles (0.000062%); highest among the groups gnomAD compares: Non-Finnish European, 0.000085%; no homozygotes.

Submissions (3):

Labcorp Genetics (formerly Invitae), Labcorp
Classification: Uncertain significance for Neuroblastoma, susceptibility to, 3. Last evaluated: 2025-12-03. Review status: criteria provided, single submitter. Criteria: Invitae Variant Classification Sherloc (09022015). Collection method: clinical testing. Allele origin: germline.
Comment: This sequence change replaces glycine, which is neutral and non-polar, with cysteine, which is neutral and slightly polar, at codon 153 of the ALK protein (p.Gly153Cys). This variant is not present in population databases (gnomAD no frequency). This variant has not been reported in the literature in individuals affected with ALK-related conditions. ClinVar contains an entry for this variant (Variation ID: 3241818). An algorithm developed to predict the effect of missense changes on protein structure and function (PolyPhen-2) suggests that this variant is likely to be disruptive. In summary, the available evidence is currently insufficient to determine the role of this variant in disease. Therefore, it has been classified as a Variant of Uncertain Significance.

Ambry Genetics
Classification: Uncertain significance for Hereditary cancer-predisposing syndrome. Last evaluated: 2024-06-02. Review status: criteria provided, single submitter. Criteria: Ambry Variant Classification Scheme 2023. Collection method: clinical testing. Allele origin: germline.
Comment: The p.G153C variant (also known as c.457G>T), located in coding exon 1 of the ALK gene, results from a G to T substitution at nucleotide position 457. The glycine at codon 153 is replaced by cysteine, an amino acid with highly dissimilar properties. This amino acid position is conserved. In addition, this alteration is predicted to be deleterious by in silico analysis. Based on the available evidence, the clinical significance of this variant remains unclear.

Baylor Genetics
Classification: Uncertain significance for Neuroblastoma, susceptibility to, 3. Last evaluated: 2023-11-09. Review status: criteria provided, single submitter. Criteria: ACMG Guidelines, 2015. Collection method: clinical testing. Allele origin: unknown.